The following is an entry in ClinVar:

ClinVar aggregate classification (germline): Uncertain significance (1 of 4 stars; one submission).

Submission:

Labcorp Genetics (formerly Invitae), Labcorp
Classification: Uncertain significance. Last evaluated: 2023-12-31. Review status: criteria provided, single submitter. Criteria: Invitae Variant Classification Sherloc (09022015). Collection method: clinical testing. Allele origin: germline.
Comment: This sequence change creates a premature translational stop signal (p.Ile937*) in the JAK1 gene. It is expected to result in an absent or disrupted protein product. However, the current clinical and genetic evidence is not sufficient to establish whether loss-of-function variants in JAK1 cause disease. This variant is not present in population databases (gnomAD no frequency). This variant has not been reported in the literature in individuals affected with JAK1-related conditions. In summary, the available evidence is currently insufficient to determine the role of this variant in disease. Therefore, it has been classified as a Variant of Uncertain Significance.

NM_002227.4(JAK1):c.2809_2812del (p.Asn936_Ile937insTer)

Gene: JAK1 (Janus kinase 1; minus strand). Cytogenetic location: 1p31.3.
Variant type: Deletion.
Coding change: c.2809_2812del on transcript NM_002227.4 (MANE Select); coding-DNA positions 2809 to 2812, 4 bases deleted (ATTG; older notation c.2809_2812delATTG).
Protein change: p.Asn936_Ile937insTer.
Molecular consequence: nonsense.
Genome position (GRCh38, 1-based): chr1:64,839,633-64,839,636, CAAT deleted on the plus strand (ATTG on the coding strand, the reverse complement: JAK1 is on the minus strand). VCF-style (leftmost placement, unchanged base first): chr1-64839632-ACAAT-A. GRCh37 (hg19) VCF-style: chr1-65305315-ACAAT-A.
Other names: c.2809_2812del, p.Asn936_Ile937insTer (NM_001320923.2, NM_001321852.2, NM_001321853.2 and 3 more transcripts); c.2806_2809del, p.Asn935_Ile936insTer (NM_001321857.2).
Identifiers: ClinVar variation 2706753 (VCV002706753.3), dbSNP rs2524013780, ClinGen allele CA2697552467.